The following is an entry in ClinVar:

NM_012471.3(TRPC5):c.1428G>C (p.Leu476=)

Gene: TRPC5 (transient receptor potential cation channel subfamily C member 5; minus strand). Cytogenetic location: Xq23.
Variant type: single nucleotide variant.
Coding change: c.1428G>C on transcript NM_012471.3 (MANE Select); coding-DNA position 1428, G replaced by C.
Protein change: p.Leu476=; no amino-acid change (leucine 476 retained).
Molecular consequence: synonymous variant.
Genome position (GRCh38, 1-based): chrX:111,847,386, C>G on the plus strand (G>C on the coding strand, the complement: TRPC5 is on the minus strand). VCF-style: chrX-111847386-C-G. GRCh37 (hg19) VCF-style: chrX-111090614-C-G.
Identifiers: ClinVar variation 4989772 (VCV004989772.1).

ClinVar aggregate classification (germline): Likely benign (1 of 4 stars; one submission).

Conditions:
TRPC5-related disorder. Also called: TRPC5-related condition.

Submission:

PreventionGenetics, part of Exact Sciences
Classification: Likely benign for TRPC5-related condition. Last evaluated: 2025-03-04. Review status: criteria provided, single submitter. Criteria: ACMG Guidelines, 2015. Collection method: clinical testing. Allele origin: germline.
Comment: This variant is classified as likely benign based on ACMG/AMP sequence variant interpretation guidelines (Richards et al. 2015 PMID: 25741868, with internal and published modifications).